The following is an entry in ClinVar:

ClinVar aggregate classification (germline): Uncertain significance. Review status: criteria provided, multiple submitters, no conflicts (2 of 4 stars). 3 submissions from 3 submitters: Uncertain significance (2). 1 of the submissions does not count toward it. Last evaluated 2022-08-12.

Conditions:
PCNT-related disorder. Also called: PCNT-related condition.
Inborn genetic diseases. Identifiers: MedGen C0950123, MeSH D030342.

Allele frequency attached by ClinVar (database versions not stated): gnomAD exomes 0.00001; gnomAD 0.00002; TOPMed 0.00002; ExAC 0.00004.
gnomAD v4.1: 18 of 1,613,914 alleles (0.0011%); highest among the groups gnomAD compares: Admixed American, 0.012%; no homozygotes.

Submissions (3):

Labcorp Genetics (formerly Invitae), Labcorp
Classification: Uncertain significance. Last evaluated: 2022-08-12. Review status: criteria provided, single submitter. Criteria: Invitae Variant Classification Sherloc (09022015). Collection method: clinical testing. Allele origin: germline.
Comment: This sequence change replaces arginine, which is basic and polar, with cysteine, which is neutral and slightly polar, at codon 2958 of the PCNT protein (p.Arg2958Cys). This variant is present in population databases (rs756398836, gnomAD 0.02%). This variant has not been reported in the literature in individuals affected with PCNT-related conditions. Algorithms developed to predict the effect of missense changes on protein structure and function output the following: SIFT: "Deleterious"; PolyPhen-2: "Benign"; Align-GVGD: "Class C0". The cysteine amino acid residue is found in multiple mammalian species, which suggests that this missense change does not adversely affect protein function. In summary, the available evidence is currently insufficient to determine the role of this variant in disease. Therefore, it has been classified as a Variant of Uncertain Significance.

Ambry Genetics
Classification: Uncertain significance for Inborn genetic diseases. Last evaluated: 2021-09-17. Review status: criteria provided, single submitter. Criteria: Ambry Variant Classification Scheme 2023. Collection method: clinical testing. Allele origin: germline.

PreventionGenetics, part of Exact Sciences
Classification: Uncertain significance for PCNT-related condition. Last evaluated: 2024-05-28. Review status: no assertion criteria provided. Collection method: clinical testing. Allele origin: germline. Not counted in ClinVar's aggregate classification.
Comment: The PCNT c.8872C>T variant is predicted to result in the amino acid substitution p.Arg2958Cys. To our knowledge, this variant has not been reported in the literature. This variant is reported in 0.017% of alleles in individuals of Latino descent in gnomAD. At this time, the clinical significance of this variant is uncertain due to the absence of conclusive functional and genetic evidence.

NM_006031.6(PCNT):c.8872C>T (p.Arg2958Cys)

Gene: PCNT (pericentrin; plus strand). Cytogenetic location: 21q22.3.
Variant type: single nucleotide variant.
Coding change: c.8872C>T on transcript NM_006031.6 (MANE Select); coding-DNA position 8872, C replaced by T.
Protein change: p.Arg2958Cys; replaces arginine 2958 with cysteine.
Molecular consequence: missense variant.
Genome position (GRCh38, 1-based): chr21:46,436,024, C>T. VCF-style: chr21-46436024-C-T. GRCh37 (hg19) VCF-style: chr21-47855937-C-T.
Other names: c.8281C>T, p.Arg2761Cys (NM_001315529.2); c.8872C>T (NM_006031.5); short protein forms R2761C, R2958C.
Identifiers: ClinVar variation 2187476 (VCV002187476.4), dbSNP rs756398836, ClinGen allele CA10081106.
Genomic context (GRCh38, chr21:46,436,024, plus strand): 5'-GTGAGAGACCTGGAGTCGAAGGACGAGGTGCCTGGCAGCCGCCTCCACCTAGGTTCTGCC[C>T]GCAGGGCTGCCGGCTCGGATGCGGACCACCTCCGGGAACAGCAGCGAGAGCTGGAGGCGA-3'
Protein context (NP_006022.3, residues 2948-2968): PGSRLHLGSA[Arg2958Cys]RAAGSDADHL